The following is an entry in ClinVar:

ClinVar aggregate classification (germline): Pathogenic/Likely pathogenic. Review status: criteria provided, multiple submitters, no conflicts (2 of 4 stars). 2 submissions from 2 submitters: Pathogenic (1); Likely pathogenic (1). Last evaluated 2025-07-30.

Conditions:
Glycogen storage disease, type II (IOPD). Also called: POMPE DISEASE, INFANTILE-ONSET; GLYCOGEN STORAGE DISEASE II, INFANTILE-ONSET; ACID ALPHA-GLUCOSIDASE DEFICIENCY, INFANTILE-ONSET; GAA DEFICIENCY, INFANTILE-ONSET; ACID MALTASE DEFICIENCY, INFANTILE-ONSET; CARDIOMEGALIA GLYCOGENICA DIFFUSA. Identifiers: Orphanet 365, MedGen C0017921, MONDO:0009290, OMIM 232300.

Submissions (2):

Labcorp Genetics (formerly Invitae), Labcorp
Classification: Pathogenic for Glycogen storage disease, type II. Last evaluated: 2025-07-30. Review status: criteria provided, single submitter. Criteria: Invitae Variant Classification Sherloc (09022015). Collection method: clinical testing. Allele origin: germline.
Comment: This sequence change replaces glycine, which is neutral and non-polar, with arginine, which is basic and polar, at codon 293 of the GAA protein (p.Gly293Arg). This variant is not present in population databases (gnomAD no frequency). This missense change has been observed in individuals with glycogen storage disease type II (PMID: 14695532, 15668445, 17573812, 18607768, 22676651, 24590251, 27344650, 29122469, 29181627). ClinVar contains an entry for this variant (Variation ID: 1324438). Invitae Evidence Modeling of protein sequence and biophysical properties (such as structural, functional, and spatial information, amino acid conservation, physicochemical variation, residue mobility, and thermodynamic stability) indicates that this missense variant is expected to disrupt GAA protein function with a positive predictive value of 95%. Experimental studies have shown that this missense change affects GAA function (PMID: 14695532, 19862843). For these reasons, this variant has been classified as Pathogenic.

Revvity Omics, Revvity
Classification: Likely pathogenic. Last evaluated: 2019-11-01. Review status: criteria provided, single submitter. Criteria: ACMG Guidelines, 2015. Collection method: clinical testing. Allele origin: germline.

Literature cited by the submitters: PubMed 14695532 (cited by Labcorp Genetics (formerly Invitae), Labcorp); PubMed 15668445 (cited by Labcorp Genetics (formerly Invitae), Labcorp); PubMed 17573812 (cited by Labcorp Genetics (formerly Invitae), Labcorp); PubMed 18607768 (cited by Labcorp Genetics (formerly Invitae), Labcorp); PubMed 22676651 (cited by Labcorp Genetics (formerly Invitae), Labcorp); PubMed 24590251 (cited by Labcorp Genetics (formerly Invitae), Labcorp); PubMed 27344650 (cited by Labcorp Genetics (formerly Invitae), Labcorp); PubMed 29122469 (cited by Labcorp Genetics (formerly Invitae), Labcorp); PubMed 29181627 (cited by Labcorp Genetics (formerly Invitae), Labcorp); PubMed 19862843 (cited by Labcorp Genetics (formerly Invitae), Labcorp).

NM_000152.5(GAA):c.877G>C (p.Gly293Arg)

Gene: GAA (alpha glucosidase; plus strand). Cytogenetic location: 17q25.3.
Variant type: single nucleotide variant.
Coding change: c.877G>C on transcript NM_000152.5 (MANE Select); coding-DNA position 877, G replaced by C.
Protein change: p.Gly293Arg; replaces glycine 293 with arginine.
Molecular consequence: missense variant.
Genome position (GRCh38, 1-based): chr17:80,107,818, G>C. VCF-style: chr17-80107818-G-C. GRCh37 (hg19) VCF-style: chr17-78081617-G-C.
Other names: c.877G>C, p.Gly293Arg (NM_001079803.3, NM_001079804.3); short protein forms G293R.
Identifiers: ClinVar variation 1324438 (VCV001324438.5), dbSNP rs121907945, ClinGen allele CA401363876.
Genomic context (GRCh38, chr17:80,107,818, plus strand): 5'-GGGGAGCGCAGGTGCTGAAGCGCCGTCTCCTGCATGTCCCAGCCCGGTGCGAACCTCTAC[G>C]GGTCTCACCCTTTCTACCTGGCGCTGGAGGACGGCGGGTCGGCACACGGGGTGTTCCTGC-3'
Protein context (NP_000143.2, residues 283-303): LAPTPGANLY[Gly293Arg]SHPFYLALED